The following is an entry in ClinVar:

ClinVar aggregate classification (germline): Likely pathogenic (1 of 4 stars; one submission).

gnomAD v4.1: 2 of 1,598,690 alleles (0.00013%); highest among the groups gnomAD compares: Non-Finnish European, 0.000085%; no homozygotes.

Submission:

Labcorp Genetics (formerly Invitae), Labcorp
Classification: Likely pathogenic. Last evaluated: 2025-10-22. Review status: criteria provided, single submitter. Criteria: Invitae Variant Classification Sherloc (09022015). Collection method: clinical testing. Allele origin: germline.
Comment: This sequence change affects an acceptor splice site in intron 2 of the FNIP1 gene. It is expected to disrupt RNA splicing. Variants that disrupt the donor or acceptor splice site typically lead to a loss of protein function (PMID: 16199547), and loss-of-function variants in FNIP1 are known to be pathogenic (PMID: 32181500, 32905580). This variant is not present in population databases (gnomAD no frequency). This variant has not been reported in the literature in individuals affected with FNIP1-related conditions. Algorithms developed to predict the effect of sequence changes on RNA splicing suggest that this variant may disrupt the consensus splice site. In summary, the currently available evidence indicates that the variant is pathogenic, but additional data are needed to prove that conclusively. Therefore, this variant has been classified as Likely Pathogenic.

Literature cited by the submitters: PubMed 16199547; PubMed 32181500; PubMed 32905580.

NM_133372.3(FNIP1):c.220-1G>C

Gene: FNIP1 (folliculin interacting protein 1; minus strand). Cytogenetic location: 5q31.1.
Variant type: single nucleotide variant.
Coding change: c.220-1G>C on transcript NM_133372.3 (MANE Select); the canonical splice acceptor site of the intron before coding-DNA position 220, G replaced by C.
Molecular consequence: splice acceptor variant. On other transcripts: intron variant (1).
Genome position (GRCh38, 1-based): chr5:131,731,039, C>G on the plus strand (G>C on the coding strand, the complement: FNIP1 is on the minus strand). VCF-style: chr5-131731039-C-G. GRCh37 (hg19) VCF-style: chr5-131066732-C-G.
Other names: c.220-11622G>C (NM_001346114.2); c.220-1G>C (NM_001008738.3, NM_001346113.2).
Identifiers: ClinVar variation 4703701 (VCV004703701.1).